The following is an entry in ClinVar:

NM_002972.4(SBF1):c.5268_5270del (p.Gln1756_Ser1757delinsHis)

Gene: SBF1 (SET binding factor 1; minus strand). Cytogenetic location: 22q13.33.
Variant type: Deletion.
Coding change: c.5268_5270del on transcript NM_002972.4 (MANE Select); coding-DNA positions 5268 to 5270, 3 bases deleted (GAG; older notation c.5268_5270delGAG).
Protein change: p.Gln1756_Ser1757delinsHis.
Molecular consequence: inframe indel.
Genome position (GRCh38, 1-based): chr22:50,448,326-50,448,328, CTC deleted on the plus strand (GAG on the coding strand, the reverse complement: SBF1 is on the minus strand). VCF-style (leftmost placement, unchanged base first): chr22-50448325-ACTC-A. GRCh37 (hg19) VCF-style: chr22-50886754-ACTC-A.
Other names: c.5193_5195del, p.Gln1731_Ser1732delinsHis (NM_001365819.1).
Identifiers: ClinVar variation 1510855 (VCV001510855.3), dbSNP rs762717906, ClinGen allele CA10315913.

ClinVar aggregate classification (germline): Uncertain significance (1 of 4 stars; one submission).

Allele frequency attached by ClinVar (database versions not stated): gnomAD exomes 0.00002 and 0.00004; TOPMed 0.00002; ExAC 0.00003; gnomAD 0.00003; ESP Exome Variant Server 0.00017.

Submission:

Labcorp Genetics (formerly Invitae), Labcorp
Classification: Uncertain significance. Last evaluated: 2021-12-17. Review status: criteria provided, single submitter. Criteria: Invitae Variant Classification Sherloc (09022015). Collection method: clinical testing. Allele origin: germline.
Comment: This variant, c.5268_5270del, is a complex sequence change that results in the deletion of 2 and insertion of 1 amino acid(s) in the SBF1 protein (p.Gln1756_Ser1757delinsHis). This variant is present in population databases (rs762717906, gnomAD 0.006%). This variant has not been reported in the literature in individuals affected with SBF1-related conditions. Experimental studies and prediction algorithms are not available or were not evaluated, and the functional significance of this variant is currently unknown. In summary, the available evidence is currently insufficient to determine the role of this variant in disease. Therefore, it has been classified as a Variant of Uncertain Significance.